The following is an entry in ClinVar:

ClinVar aggregate classification (germline): Uncertain significance (1 of 4 stars; one submission).

Conditions:
Diamond-Blackfan anemia. Also called: Blackfan Diamond syndrome; Aregenerative anemia chronic congenital; Red cell aplasia, pure hereditary; Congenital hypoplastic anemia; Aase syndrome. Identifiers: Orphanet 124, MedGen C1260899, MeSH D029503, MONDO:0015253, HP:0004810.

Allele frequency attached by ClinVar (database versions not stated): gnomAD exomes below 0.00001.
gnomAD v4.1: 2 of 1,613,720 alleles (0.00012%); highest among the groups gnomAD compares: African/African-American, 0.0013%; no homozygotes.

Submission:

Labcorp Genetics (formerly Invitae), Labcorp
Classification: Uncertain significance for Diamond-Blackfan anemia. Last evaluated: 2024-11-11. Review status: criteria provided, single submitter. Criteria: Invitae Variant Classification Sherloc (09022015). Collection method: clinical testing. Allele origin: germline.
Comment: This sequence change replaces proline, which is neutral and non-polar, with serine, which is neutral and polar, at codon 48 of the RPL11 protein (p.Pro48Ser). This variant is not present in population databases (gnomAD no frequency). This variant has not been reported in the literature in individuals affected with RPL11-related conditions. ClinVar contains an entry for this variant (Variation ID: 2117621). An algorithm developed to predict the effect of missense changes on protein structure and function (PolyPhen-2) suggests that this variant is likely to be disruptive. In summary, the available evidence is currently insufficient to determine the role of this variant in disease. Therefore, it has been classified as a Variant of Uncertain Significance.

NM_000975.5(RPL11):c.142C>T (p.Pro48Ser)

Gene: RPL11 (ribosomal protein L11; plus strand). Cytogenetic location: 1p36.11.
Variant type: single nucleotide variant.
Coding change: c.142C>T on transcript NM_000975.5 (MANE Select); coding-DNA position 142, C replaced by T.
Protein change: p.Pro48Ser; replaces proline 48 with serine.
Molecular consequence: missense variant.
Genome position (GRCh38, 1-based): chr1:23,692,744, C>T. VCF-style: chr1-23692744-C-T. GRCh37 (hg19) VCF-style: chr1-24019234-C-T.
Other names: c.139C>T, p.Pro47Ser (NM_001199802.1); short protein forms P47S, P48S.
Identifiers: ClinVar variation 2117621 (VCV002117621.4), dbSNP rs2523395246, ClinGen allele CA338991949.
Genomic context (GRCh38, chr1:23,692,744, plus strand): 5'-GAGAGTGGAGACAGACTGACGCGAGCAGCCAAGGTGTTGGAGCAGCTCACAGGGCAGACC[C>T]CTGTGTTTTCCAAAGGTGAGTAGTCACAAGGACATACAGGGTTTGCCTGCTTGGGTCGCT-3'
Protein context (NP_000966.2, residues 38-58): KVLEQLTGQT[Pro48Ser]VFSKARYTVR